The following is an entry in ClinVar:

ClinVar aggregate classification (germline): Uncertain significance (1 of 4 stars; one submission).

Allele frequency attached by ClinVar (database versions not stated): TOPMed 0.00001.
gnomAD v4.1: 1 of 1,610,742 alleles (0.000062%); highest among the groups gnomAD compares: Non-Finnish European, 0.000085%; no homozygotes.

Submission:

Labcorp Genetics (formerly Invitae), Labcorp
Classification: Uncertain significance. Last evaluated: 2023-08-24. Review status: criteria provided, single submitter. Criteria: Invitae Variant Classification Sherloc (09022015). Collection method: clinical testing. Allele origin: germline.
Comment: This variant has not been reported in the literature in individuals affected with RUSC2-related conditions. This variant is present in population databases (no rsID available, gnomAD 0.0009%). This sequence change replaces arginine, which is basic and polar, with lysine, which is basic and polar, at codon 92 of the RUSC2 protein (p.Arg92Lys). ClinVar contains an entry for this variant (Variation ID: 1930112). An algorithm developed to predict the effect of missense changes on protein structure and function (PolyPhen-2) suggests that this variant is likely to be tolerated. In summary, the available evidence is currently insufficient to determine the role of this variant in disease. Therefore, it has been classified as a Variant of Uncertain Significance.

NM_014806.5(RUSC2):c.275G>A (p.Arg92Lys)

Gene: RUSC2 (RUN and SH3 domain containing 2; plus strand). Cytogenetic location: 9p13.3.
Variant type: single nucleotide variant.
Coding change: c.275G>A on transcript NM_014806.5 (MANE Select); coding-DNA position 275, G replaced by A.
Protein change: p.Arg92Lys; replaces arginine 92 with lysine.
Molecular consequence: missense variant. On other transcripts: non-coding transcript variant (1), intron variant (1).
Genome position (GRCh38, 1-based): chr9:35,546,796, G>A. VCF-style: chr9-35546796-G-A. GRCh37 (hg19) VCF-style: chr9-35546793-G-A.
Other names: c.275G>A, p.Arg92Lys (NM_001135999.2); c.-620-8264G>A (NM_001330740.2); short protein forms R92K.
Identifiers: ClinVar variation 1930112 (VCV001930112.5), dbSNP rs1298554558, ClinGen allele CA373326453.